The following is an entry in ClinVar:

ClinVar aggregate classification (germline): Uncertain significance. Review status: criteria provided, multiple submitters, no conflicts (2 of 4 stars). 3 submissions from 3 submitters: Uncertain significance (2). 1 of the submissions does not count toward it. Last evaluated 2022-08-09.

Conditions:
LAMA2-related muscular dystrophy (LAMA2-RD). Also called: Laminin alpha 2-related dystrophy. Identifiers: MedGen C5679788, MONDO:0100228.
Merosin deficient congenital muscular dystrophy (MDC1A). Also called: Congenital Muscular Dystrophy Type 1A (MDC1A); Congenital merosin-deficient muscular dystrophy 1A. Identifiers: Orphanet 258, MedGen C1263858, MONDO:0011925, OMIM 607855.

Submissions (3):

Labcorp Genetics (formerly Invitae), Labcorp
Classification: Uncertain significance for LAMA2-related muscular dystrophy. Last evaluated: 2022-08-09. Review status: criteria provided, single submitter. Criteria: Invitae Variant Classification Sherloc (09022015). Collection method: clinical testing. Allele origin: germline.
Comment: This sequence change replaces leucine, which is neutral and non-polar, with proline, which is neutral and non-polar, at codon 11 of the LAMA2 protein (p.Leu11Pro). This variant is not present in population databases (gnomAD no frequency). This missense change has been observed in individual(s) with clinical features of limb-girdle muscular dystrophy (PMID: 30055037). ClinVar contains an entry for this variant (Variation ID: 180591). Advanced modeling of protein sequence and biophysical properties (such as structural, functional, and spatial information, amino acid conservation, physicochemical variation, residue mobility, and thermodynamic stability) performed at Invitae indicates that this missense variant is not expected to disrupt LAMA2 protein function. In summary, the available evidence is currently insufficient to determine the role of this variant in disease. Therefore, it has been classified as a Variant of Uncertain Significance.

GeneDx
Classification: Uncertain significance. Last evaluated: 2022-06-16. Review status: criteria provided, single submitter. Criteria: GeneDx Variant Classification Process June 2021. Collection method: clinical testing. Allele origin: germline. Affected: yes.
Comment: Reported previously with a pathogenic variant in the LAMA2 gene (phase unknown) in a patient with a diagnosis of myopathy; however, no further clinical or segregation information was provided (Oliveira et al., 2018); Not observed at significant frequency in large population cohorts (gnomAD); In silico analysis supports that this missense variant does not alter protein structure/function; This variant is associated with the following publications: (PMID: 30055037)

Mendelics
Classification: Likely pathogenic for Merosin deficient congenital muscular dystrophy. Last evaluated: 2015-01-22. Review status: no assertion criteria provided. Collection method: clinical testing. Allele origin: germline. Affected: yes. Not counted in ClinVar's aggregate classification.

Literature cited by the submitters: PubMed 30055037 (cited by Labcorp Genetics (formerly Invitae), Labcorp); PubMed 22675738 (cited by Mendelics).

NM_000426.4(LAMA2):c.32T>C (p.Leu11Pro)

Gene: LAMA2 (laminin subunit alpha 2; plus strand). Cytogenetic location: 6q22.33.
Variant type: single nucleotide variant.
Coding change: c.32T>C on transcript NM_000426.4 (MANE Select); coding-DNA position 32, T replaced by C.
Protein change: p.Leu11Pro; replaces leucine 11 with proline.
Molecular consequence: missense variant.
Genome position (GRCh38, 1-based): chr6:128,883,277, T>C. VCF-style: chr6-128883277-T-C. GRCh37 (hg19) VCF-style: chr6-129204422-T-C.
Other names: c.32T>C, p.Leu11Pro (NM_001079823.2); short protein forms L11P.
Identifiers: ClinVar variation 180591 (VCV000180591.7), dbSNP rs730880252, ClinGen allele CA273738.